The following is an entry in ClinVar:

NM_001042492.3(NF1):c.6923A>G (p.Asp2308Gly)

Gene: NF1 (neurofibromin 1; plus strand). Cytogenetic location: 17q11.2.
Variant type: single nucleotide variant.
Coding change: c.6923A>G on transcript NM_001042492.3 (MANE Select); coding-DNA position 6923, A replaced by G.
Protein change: p.Asp2308Gly; replaces aspartic acid 2308 with glycine.
Molecular consequence: missense variant.
Genome position (GRCh38, 1-based): chr17:31,340,506, A>G. VCF-style: chr17-31340506-A-G. GRCh37 (hg19) VCF-style: chr17-29667524-A-G.
Other names: c.6860A>G, p.Asp2287Gly (NM_000267.4); short protein forms D2308G, D2287G.
Identifiers: ClinVar variation 4775006 (VCV004775006.1).

ClinVar aggregate classification (germline): Uncertain significance (1 of 4 stars; one submission).

Conditions:
Neurofibromatosis, type 1 (NF1). Also called: Neurofibromatosis, type I; VON RECKLINGHAUSEN DISEASE; NEUROFIBROMATOSIS, TYPE I, SOMATIC; Peripheral type neurofibromatosis. Identifiers: Orphanet 636, MedGen C0027831, MONDO:0018975, OMIM 162200. Disease mechanism: loss of function.

Submission:

Labcorp Genetics (formerly Invitae), Labcorp
Classification: Uncertain significance for Neurofibromatosis, type 1. Last evaluated: 2025-05-07. Review status: criteria provided, single submitter. Criteria: Invitae Variant Classification Sherloc (09022015). Collection method: clinical testing. Allele origin: germline.
Comment: This sequence change replaces aspartic acid, which is acidic and polar, with glycine, which is neutral and non-polar, at codon 2287 of the NF1 protein (p.Asp2287Gly). This variant is not present in population databases (gnomAD no frequency). This variant has not been reported in the literature in individuals affected with NF1-related conditions. An algorithm developed to predict the effect of missense changes on protein structure and function (PolyPhen-2) suggests that this variant is likely to be tolerated. In summary, the available evidence is currently insufficient to determine the role of this variant in disease. Therefore, it has been classified as a Variant of Uncertain Significance.